The following is an entry in ClinVar:

ClinVar aggregate classification (germline): Uncertain significance. Review status: criteria provided, multiple submitters, no conflicts (2 of 4 stars). 6 submissions from 6 submitters: Uncertain significance (5). 1 of the submissions does not count toward it. Last evaluated 2025-01-24.

Conditions:
Inborn genetic diseases. Identifiers: MedGen C0950123, MeSH D030342.
Neuronal ceroid lipofuscinosis. Also called: Neuronal Ceroid Lipofuscinoses. Identifiers: Orphanet 216, Orphanet 79263, MedGen C0027877, MONDO:0016295. Disease mechanism: loss of function.
Neuronal ceroid lipofuscinosis 10 (CLN10). Also called: NEURONAL CEROID LIPOFUSCINOSIS DUE TO CATHEPSIN D DEFICIENCY; CTSD-Related Neuronal Ceroid-Lipofuscinosis. Identifiers: Orphanet 228337, MedGen C1864669, MONDO:0012414, OMIM 610127.

Allele frequency attached by ClinVar (database versions not stated): gnomAD exomes 0.00001; ExAC 0.00002; TOPMed 0.00002; gnomAD 0.00003 and 0.00004.
gnomAD v4.1: 35 of 1,604,192 alleles (0.0022%); highest among the groups gnomAD compares: East Asian, 0.0045%; no homozygotes.

Submissions (6):

Revvity Omics, Revvity
Classification: Uncertain significance for Neuronal ceroid lipofuscinosis 10. Last evaluated: 2025-01-24. Review status: criteria provided, single submitter. Criteria: ACMG Guidelines, 2015. Collection method: clinical testing. Allele origin: germline.

Women's Health and Genetics/Laboratory Corporation of America, LabCorp
Classification: Uncertain significance. Last evaluated: 2023-08-02. Review status: criteria provided, single submitter. Criteria: LabCorp Variant Classification Summary - May 2015. Collection method: clinical testing. Allele origin: germline.
Comment: Variant summary: CTSD c.470C>T (p.Ser157Leu) results in a non-conservative amino acid change located in the Peptidase family A1 domain (IPR033121) of the encoded protein sequence. Three of five in-silico tools predict a benign effect of the variant on protein function. As the variant impacts the last nucleotide of exon 4 adjacent to the canonical 5'-splicing donor site, 2/4 computational tools predict a weakening of the canonical 5' splice donor site, whereas the other 2/4 predict no significant impact on normal splicing. However, these predictions have yet to be confirmed by functional studies. The variant allele was found at a frequency of 1.2e-05 in 250844 control chromosomes. The available data on variant occurrences in the general population are insufficient to allow any conclusion about variant significance. c.470C>T has been reported in the literature in an individual with clinical suspicion of a lysosomal storage disorder (Fernandez-Marmiesse_2014); however, this report does not provide unequivocal conclusions about association of the variant with Neuronal Ceroid-Lipofuscinosis (Batten Disease). To our knowledge, no experimental evidence demonstrating an impact on protein function has been reported. The following publication has been ascertained in the context of this evaluation (PMID: 24767253). Three submitters have cited clinical-significance assessments for this variant to ClinVar after 2014. All submitters classified the variant as uncertain significance. Based on the evidence outlined above, the variant was classified as uncertain significance.

Labcorp Genetics (formerly Invitae), Labcorp
Classification: Uncertain significance for Neuronal ceroid lipofuscinosis. Last evaluated: 2021-08-27. Review status: criteria provided, single submitter. Criteria: Invitae Variant Classification Sherloc (09022015). Collection method: clinical testing. Allele origin: germline.
Comment: This sequence change replaces serine with leucine at codon 157 of the CTSD protein (p.Ser157Leu). The serine residue is moderately conserved and there is a large physicochemical difference between serine and leucine. This variant is present in population databases (rs587779409, ExAC 0.006%). This missense change has been observed in individual(s) with neuronal ceroid lipofuscinosis (PMID: 24767253). ClinVar contains an entry for this variant (Variation ID: 100732). Algorithms developed to predict the effect of missense changes on protein structure and function output the following: SIFT: "Deleterious"; PolyPhen-2: "Benign"; Align-GVGD: "Class C0". The leucine amino acid residue is found in multiple mammalian species, which suggests that this missense change does not adversely affect protein function. Algorithms developed to predict the effect of sequence changes on RNA splicing suggest that this variant may disrupt the consensus splice site. In summary, the available evidence is currently insufficient to determine the role of this variant in disease. Therefore, it has been classified as a Variant of Uncertain Significance.

Ambry Genetics
Classification: Uncertain significance for Inborn genetic diseases. Last evaluated: 2020-10-14. Review status: criteria provided, single submitter. Criteria: Ambry Variant Classification Scheme 2023. Collection method: clinical testing. Allele origin: germline.
Comment: The c.470C>T (p.S157L) alteration is located in exon 4 (coding exon 4) of the CTSD gene. This alteration results from a C to T substitution at nucleotide position 470, causing the serine (S) at amino acid position 157 to be replaced by a leucine (L). Based on data from the Genome Aggregation Database (gnomAD) database, the CTSD c.470C>T alteration was observed in 0.002% (5/282210) of total alleles studied, with a frequency of 0.005% (1/19950) in the East Asian subpopulation. This alteration was reported in a child with a high suspicion of a lysosomal storage disease in conjunction with an intronic variant (Fern&aacute;ndez-Marmiesse, 2014). This amino acid position is not well conserved in available vertebrate species. The p.S157L alteration is predicted to be tolerated by in silico analysis. Based on insufficient or conflicting evidence, the clinical significance of this alteration remains unclear.

Illumina Laboratory Services, Illumina
Classification: Uncertain significance for Neuronal ceroid lipofuscinosis 10. Last evaluated: 2018-01-12. Review status: criteria provided, single submitter. Criteria: ICSL Variant Classification Criteria 13 December 2019. Collection method: clinical testing. Allele origin: germline.

Unidad de Diagnostico y Tratamiento de Errores Congenitos del Metabolismo. Hospital Clínico Universitário de Santiago de Compostela
Classification: Pathogenic for Ceroid lipofuscinosis neuronal 10. Review status: no assertion criteria provided. Collection method: research. Allele origin: inherited. Affected: yes. Not counted in ClinVar's aggregate classification.

Literature cited by the submitters: PubMed 24767253 (cited by 3 submitters).

NM_001909.5(CTSD):c.470C>T (p.Ser157Leu)

Gene: CTSD (cathepsin D; minus strand). Cytogenetic location: 11p15.5.
Variant type: single nucleotide variant.
Coding change: c.470C>T on transcript NM_001909.5 (MANE Select); coding-DNA position 470, C replaced by T.
Protein change: p.Ser157Leu; replaces serine 157 with leucine.
Molecular consequence: missense variant.
Genome position (GRCh38, 1-based): chr11:1,758,970, G>A on the plus strand (C>T on the coding strand, the complement: CTSD is on the minus strand). VCF-style: chr11-1758970-G-A. GRCh37 (hg19) VCF-style: chr11-1780200-G-A.
Other names: short protein forms S157L.
Identifiers: ClinVar variation 100732 (VCV000100732.17), dbSNP rs587779409, ClinGen allele CA267592.